The following is an entry in ClinVar:

NM_001365951.3(KIF1B):c.981G>A (p.Met327Ile)

Gene: KIF1B (kinesin family member 1B; plus strand). Cytogenetic location: 1p36.22.
Variant type: single nucleotide variant.
Coding change: c.981G>A on transcript NM_001365951.3 (MANE Select); coding-DNA position 981, G replaced by A.
Protein change: p.Met327Ile; replaces methionine 327 with isoleucine.
Molecular consequence: missense variant.
Genome position (GRCh38, 1-based): chr1:10,276,343, G>A. VCF-style: chr1-10276343-G-A. GRCh37 (hg19) VCF-style: chr1-10336401-G-A.
Other names: c.981G>A, p.Met327Ile (NM_001365952.1); c.963G>A, p.Met321Ile (NM_001365953.1, NM_015074.3, NM_183416.4); short protein forms M321I, M327I.
Identifiers: ClinVar variation 2448770 (VCV002448770.2), dbSNP rs2521161884, ClinGen allele CA338332853.

ClinVar aggregate classification (germline): Uncertain significance (1 of 4 stars; one submission).

Submission:

Ambry Genetics
Classification: Uncertain significance. Last evaluated: 2023-02-12. Review status: criteria provided, single submitter. Criteria: Ambry Variant Classification Scheme 2023. Collection method: clinical testing. Allele origin: germline.
Comment: The p.M321I variant (also known as c.963G>A), located in coding exon 10 of the KIF1B gene, results from a G to A substitution at nucleotide position 963. The methionine at codon 321 is replaced by isoleucine, an amino acid with highly similar properties. This amino acid position is conserved. In addition, this alteration is predicted to be deleterious by in silico analysis. Since supporting evidence is limited at this time, the clinical significance of this alteration remains unclear.